The following is an entry in ClinVar:

ClinVar aggregate classification (germline): Uncertain significance (1 of 4 stars; one submission).

Conditions:
Autosomal dominant aplasia and myelodysplasia. Also called: Bone marrow failure syndrome 1. Identifiers: Orphanet 314399, MedGen C3808553, MONDO:0013851, OMIM 614675.

Submission:

3billion
Classification: Uncertain significance for Autosomal dominant aplasia and myelodysplasia. Last evaluated: 2024-07-03. Review status: criteria provided, single submitter. Criteria: ACMG Guidelines, 2015. Collection method: clinical testing. Allele origin: germline. Affected: yes.
Comment: The variant is not observed in the gnomAD v4.0.0 dataset. Predicted Consequence/Location: Frameshift: predicted to result in a loss or disruption of normal protein function through nonsense-mediated decay (NMD) or protein truncation. While the contribution of LOF variants in SRP72 to Bone marrow failure syndrome 1 is incompletely understood, previously reportedLOF variants in patients provide evidence supporting these variants as a mechanism of disease. Frameshift: predicted to result in a loss or disruption of normal protein function through nonsense-mediated decay (NMD) or protein truncation. While the contribution of LOF variants in SRP72 to Bone marrow failure syndrome 1 is incompletely understood, previously reportedLOF variants in patients provide evidence supporting these variants as a mechanism of disease. Therefore, this variant is classified as VUS according to the recommendation of ACMG/AMP guideline.

NM_006947.4(SRP72):c.1673del (p.Lys558fs)

Gene: SRP72 (signal recognition particle 72; plus strand). Cytogenetic location: 4q12.
Variant type: Deletion.
Coding change: c.1673del on transcript NM_006947.4 (MANE Select); coding-DNA position 1673, one base deleted (A; older notation c.1673delA).
Protein change: p.Lys558fs; shifts the reading frame from lysine 558.
Molecular consequence: frameshift variant. On other transcripts: non-coding transcript variant (1).
Genome position (GRCh38, 1-based): chr4:56,495,389, A deleted; the last of 5 consecutive A bases (chr4:56,495,385-56,495,389); deleting any one gives the same sequence. VCF-style (leftmost placement, unchanged base first): chr4-56495384-GA-G. GRCh37 (hg19) VCF-style: chr4-57361550-GA-G.
Other names: c.1490del, p.Lys497fs (NM_001267722.2); short protein forms K497fs, K558fs.
Identifiers: ClinVar variation 4072252 (VCV004072252.1).